The following is an entry in ClinVar:

NM_006060.6(IKZF1):c.477C>A (p.Asn159Lys)

Gene: IKZF1 (IKAROS family zinc finger 1; plus strand). Cytogenetic location: 7p12.2.
Variant type: single nucleotide variant.
Coding change: c.477C>A on transcript NM_006060.6 (MANE Select); coding-DNA position 477, C replaced by A.
Protein change: p.Asn159Lys; replaces asparagine 159 with lysine.
Molecular consequence: missense variant. On other transcripts: intron variant (6).
Genome position (GRCh38, 1-based): chr7:50,382,595, C>A. VCF-style: chr7-50382595-C-A. GRCh37 (hg19) VCF-style: chr7-50450293-C-A.
Other names: c.477C>A, p.Asn159Lys (NM_001220765.3, NM_001220768.2, NM_001291837.2); c.216C>A, p.Asn72Lys (NM_001220767.2, NM_001220770.2, NM_001291838.2 and 1 more transcripts); c.537C>A, p.Asn179Lys (NM_001410879.1); c.421+5802C>A (NM_001220771.2); c.161-4750C>A (NM_001291841.1, NM_001291842.1); c.161-9134C>A (NM_001291843.1, NM_001291844.1); c.161-17323C>A (NM_001291840.1); short protein forms N159K, N72K, N179K.
Identifiers: ClinVar variation 2119259 (VCV002119259.5), dbSNP rs1812155140, ClinGen allele CA367530859.
Genomic context (GRCh38, chr7:50,382,595, plus strand): 5'-CCCAGGAGAACGGCCCTTCCAGTGCAATCAGTGCGGGGCCTCATTCACCCAGAAGGGCAA[C>A]CTGCTCCGGCACATCAAGCTGCATTCCGGGGAGAAGCCCTTCAAATGCCACCTCTGCAAC-3'
Protein context (NP_006051.1, residues 149-169): QCGASFTQKG[Asn159Lys]LLRHIKLHSG

ClinVar aggregate classification (germline): Conflicting classifications of pathogenicity. Review status: criteria provided, conflicting classifications (1 of 4 stars). 2 submissions from 2 submitters: Likely pathogenic (1); Uncertain significance (1). Last evaluated 2022-04-10.

Conditions:
IKZF1-related disorders.

Submissions (2):

Labcorp Genetics (formerly Invitae), Labcorp
Classification: Uncertain significance. Last evaluated: 2022-04-10. Review status: criteria provided, single submitter. Criteria: Invitae Variant Classification Sherloc (09022015). Collection method: clinical testing. Allele origin: germline.
Comment: This sequence change replaces asparagine, which is neutral and polar, with lysine, which is basic and polar, at codon 159 of the IKZF1 protein (p.Asn159Lys). This variant is not present in population databases (gnomAD no frequency). In summary, the available evidence is currently insufficient to determine the role of this variant in disease. Therefore, it has been classified as a Variant of Uncertain Significance. Algorithms developed to predict the effect of missense changes on protein structure and function are either unavailable or do not agree on the potential impact of this missense change (SIFT: "Not Available"; PolyPhen-2: "Probably Damaging"; Align-GVGD: "Not Available"). This variant has not been reported in the literature in individuals affected with IKZF1-related conditions.

Blueprint Genetics
Classification: Likely pathogenic for IKZF1-related disorders. Last evaluated: 2019-08-08. Review status: criteria provided, single submitter. Criteria: ACMG Guidelines, 2015. Collection method: clinical testing. Allele origin: germline. Affected: yes. Observed: 1 variant allele.